The following is an entry in ClinVar:

ClinVar aggregate classification (germline): Uncertain significance (1 of 4 stars; one submission).

gnomAD v4.1: 5 of 1,614,168 alleles (0.00031%); highest among the groups gnomAD compares: Admixed American, 0.005%; no homozygotes.

Submission:

Labcorp Genetics (formerly Invitae), Labcorp
Classification: Uncertain significance. Last evaluated: 2026-01-08. Review status: criteria provided, single submitter. Criteria: Invitae Variant Classification Sherloc (09022015). Collection method: clinical testing. Allele origin: germline.
Comment: This sequence change replaces asparagine, which is neutral and polar, with aspartic acid, which is acidic and polar, at codon 390 of the ELP1 protein (p.Asn390Asp). This variant is present in population databases (rs779202159, gnomAD 0.009%). This variant has not been reported in the literature in individuals affected with ELP1-related conditions. Invitae Evidence Modeling of protein sequence and biophysical properties (such as structural, functional, and spatial information, amino acid conservation, physicochemical variation, residue mobility, and thermodynamic stability) indicates that this missense variant is not expected to disrupt ELP1 protein function with a negative predictive value of 80%. In summary, the available evidence is currently insufficient to determine the role of this variant in disease. Therefore, it has been classified as a Variant of Uncertain Significance.

NM_003640.5(ELP1):c.1168A>G (p.Asn390Asp)

Gene: ELP1 (elongator acetyltransferase complex subunit 1; minus strand). Cytogenetic location: 9q31.3.
Variant type: single nucleotide variant.
Coding change: c.1168A>G on transcript NM_003640.5 (MANE Select); coding-DNA position 1168, A replaced by G.
Protein change: p.Asn390Asp; replaces asparagine 390 with aspartic acid.
Molecular consequence: missense variant.
Genome position (GRCh38, 1-based): chr9:108,912,285, T>C on the plus strand (A>G on the coding strand, the complement: ELP1 is on the minus strand). VCF-style: chr9-108912285-T-C. GRCh37 (hg19) VCF-style: chr9-111674565-T-C.
Other names: c.826A>G, p.Asn276Asp (NM_001318360.2); c.121A>G, p.Asn41Asp (NM_001330749.2); short protein forms N390D, N276D, N41D.
Identifiers: ClinVar variation 4777108 (VCV004777108.1).